The following is an entry in ClinVar:

ClinVar aggregate classification (germline): Uncertain significance (1 of 4 stars; one submission).

Conditions:
Neuropathy, hereditary sensory and autonomic, type 2A (HSAN2A). Also called: ACROOSTEOLYSIS, GIACCAI TYPE; ACROOSTEOLYSIS, NEUROGENIC; MORVAN DISEASE; NEUROPATHY, CONGENITAL SENSORY; NEUROPATHY, HEREDITARY SENSORY RADICULAR, AUTOSOMAL RECESSIVE; NEUROPATHY, HEREDITARY SENSORY, TYPE IIA. Identifiers: Orphanet 970, MedGen C2752089, MONDO:0024309, OMIM 201300.
Pseudohypoaldosteronism type 2C (PHA2C). Also called: Pseudohypoaldosteronism Type IIC. Identifiers: Orphanet 757, Orphanet 88940, MedGen C1840391, MONDO:0013778, OMIM 614492.

Allele frequency attached by ClinVar (database versions not stated): gnomAD 0.00001.
gnomAD v4.1: 1 of 1,614,042 alleles (0.000062%); highest among the groups gnomAD compares: East Asian, 0.0022%; no homozygotes.

Submission:

Labcorp Genetics (formerly Invitae), Labcorp
Classification: Uncertain significance for Neuropathy, hereditary sensory and autonomic, type 2A; Pseudohypoaldosteronism type 2C. Last evaluated: 2022-12-26. Review status: criteria provided, single submitter. Criteria: Invitae Variant Classification Sherloc (09022015). Collection method: clinical testing. Allele origin: germline.
Comment: In summary, the available evidence is currently insufficient to determine the role of this variant in disease. Therefore, it has been classified as a Variant of Uncertain Significance. Algorithms developed to predict the effect of sequence changes on RNA splicing suggest that this variant may create or strengthen a splice site. This variant has not been reported in the literature in individuals affected with WNK1-related conditions. This variant is present in population databases (no rsID available, gnomAD 0.06%). This sequence change affects codon 1507 of the WNK1 mRNA. It is a 'silent' change, meaning that it does not change the encoded amino acid sequence of the WNK1 protein.

NM_018979.4(WNK1):c.3765A>C (p.Gly1255=)

Gene: WNK1 (WNK lysine deficient protein kinase 1; plus strand). Cytogenetic location: 12p13.33.
Variant type: single nucleotide variant.
Coding change: c.3765A>C on transcript NM_018979.4 (MANE Select); coding-DNA position 3765, A replaced by C.
Protein change: p.Gly1255=; no amino-acid change (glycine 1255 retained).
Molecular consequence: synonymous variant.
Genome position (GRCh38, 1-based): chr12:884,164, A>C. VCF-style: chr12-884164-A-C. GRCh37 (hg19) VCF-style: chr12-993330-A-C.
Other names: c.4545A>C, p.Gly1515= (NM_001184985.2); c.3024A>C, p.Gly1008= (NM_014823.3); c.4521A>C, p.Gly1507= (NM_213655.5).
Identifiers: ClinVar variation 2938374 (VCV002938374.3), dbSNP rs1479894708, ClinGen allele CA477851365.